The following is an entry in ClinVar:

NM_024675.4(PALB2):c.2703_2704delinsTT (p.Asp902Tyr)

Gene: PALB2 (partner and localizer of BRCA2; minus strand). Cytogenetic location: 16p12.2.
Variant type: Indel.
Coding change: c.2703_2704delinsTT on transcript NM_024675.4 (MANE Select); coding-DNA positions 2703 to 2704, GG replaced by TT.
Protein change: p.Asp902Tyr; replaces aspartic acid 902 with tyrosine.
Molecular consequence: missense variant. On other transcripts: intron variant (3).
Genome position (GRCh38, 1-based): chr16:23,626,280-23,626,281, CC replaced by AA on the plus strand (GG replaced by TT on the coding strand, the reverse complement: PALB2 is on the minus strand). VCF-style: chr16-23626280-CC-AA. GRCh37 (hg19) VCF-style: chr16-23637601-CC-AA.
Other names: c.2643_2644delinsTT, p.Asp882Tyr (NM_001407296.1); c.2631_2632delinsTT, p.Asp878Tyr (NM_001407297.1); c.2703_2704delinsTT, p.Asp902Tyr (NM_001407299.1, NM_001407300.1, NM_001407301.1); c.1818_1819delinsTT, p.Asp607Tyr (NM_001407304.1, NM_001407305.1, NM_001407306.1 and 4 more transcripts); c.915_916delinsTT, p.Asp306Tyr (NM_001407312.1, NM_001407313.1); c.237_238delinsTT, p.Asp80Tyr (NM_001407314.1); c.2587-2187_2587-2186delinsTT (NM_001407302.1, NM_001407298.1); c.1702-2187_1702-2186delinsTT (NM_001407307.1); short protein forms D882Y, D902Y, D607Y, D80Y, D306Y, D878Y.
Identifiers: ClinVar variation 2904704 (VCV002904704.4), dbSNP rs2506370206, ClinGen allele CA2739266666.
Genomic context (GRCh38, chr16:23,626,280, plus strand): 5'-CGAGATTCCCACTTACCTCTGCGAAGTGCCAGGTATAAAGTTTTTCCCACTGCCAAGCAT[CC>AA]AGAGCTTTCCAAAGAGAAACTACATCTTCGCAAGCAGTTATGATACATGGCTCTTTACAA-3'
Protein context (NP_078951.2, residues 892-912): EDVVSLWKAL[Asp902Tyr]AWQWEKLYTW

ClinVar aggregate classification (germline): Uncertain significance. Review status: criteria provided, multiple submitters, no conflicts (2 of 4 stars). 2 submissions from 2 submitters: Uncertain significance (2). Last evaluated 2024-10-29.

Conditions:
Hereditary cancer-predisposing syndrome. Also called: Hereditary Cancer Syndrome; Hereditary neoplastic syndrome; Tumor predisposition; Neoplastic Syndromes, Hereditary. Identifiers: Orphanet 140162, MedGen C0027672, MeSH D009386, MONDO:0015356.
Familial cancer of breast. Also called: hereditary breast carcinoma; BREAST CANCER, FAMILIAL; Hereditary breast cancer. Identifiers: Orphanet 227535, MedGen C0346153, MONDO:0016419, OMIM 114480. Disease mechanism: loss of function.

Submissions (2):

Ambry Genetics
Classification: Uncertain significance for Hereditary cancer-predisposing syndrome. Last evaluated: 2024-10-29. Review status: criteria provided, single submitter. Criteria: Ambry Variant Classification Scheme 2023. Collection method: clinical testing. Allele origin: germline.
Comment: The c.2703_2704delGGinsTT variant (also known as p.D902Y), located in coding exon 7 of the PALB2 gene, results from an in-frame deletion of GG and insertion of TT at nucleotide positions 2703 to 2704. This results in the substitution of the aspartic acid residue for a tyrosine residue at codon 902, an amino acid with highly dissimilar properties. This amino acid position is well conserved in available vertebrate species. In addition, the in silico prediction for this alteration is inconclusive (Choi Y et al. PLoS ONE. 2012; 7(10):e46688). Based on the available evidence, the clinical significance of this variant remains unclear.

Labcorp Genetics (formerly Invitae), Labcorp
Classification: Uncertain significance for Familial cancer of breast. Last evaluated: 2024-09-29. Review status: criteria provided, single submitter. Criteria: Invitae Variant Classification Sherloc (09022015). Collection method: clinical testing. Allele origin: germline.
Comment: This sequence change replaces aspartic acid, which is acidic and polar, with tyrosine, which is neutral and polar, at codon 902 of the PALB2 protein (p.Asp902Tyr). Information on the frequency of this variant in the gnomAD database is not available, as this variant may be reported differently in the database. This variant has not been reported in the literature in individuals affected with PALB2-related conditions. Experimental studies and prediction algorithms are not available or were not evaluated, and the functional significance of this variant is currently unknown. In summary, the available evidence is currently insufficient to determine the role of this variant in disease. Therefore, it has been classified as a Variant of Uncertain Significance.